The following is an entry in ClinVar:

NM_020461.4(TUBGCP6):c.5435_5436insG (p.Phe1812fs)

Gene: TUBGCP6 (tubulin gamma complex component 6; minus strand). Cytogenetic location: 22q13.33.
Variant type: Insertion.
Coding change: c.5435_5436insG on transcript NM_020461.4 (MANE Select); coding-DNA positions 5435 to 5436, G inserted.
Protein change: p.Phe1812fs; shifts the reading frame from phenylalanine 1812.
Molecular consequence: frameshift variant.
Genome position: GRCh38 VCF-style: chr22-50217760-G-GC. GRCh37 (hg19) VCF-style: chr22-50656189-G-GC.
Other names: short protein forms F1812fs.
Identifiers: ClinVar variation 1050928 (VCV001050928.5), dbSNP rs2147170603, ClinGen allele CA2499226210.

ClinVar aggregate classification (germline): Uncertain significance (1 of 4 stars; one submission).

Allele frequency attached by ClinVar (database versions not stated): gnomAD exomes below 0.00001.

Submission:

Labcorp Genetics (formerly Invitae), Labcorp
Classification: Uncertain significance. Last evaluated: 2022-02-03. Review status: criteria provided, single submitter. Criteria: Invitae Variant Classification Sherloc (09022015). Collection method: clinical testing. Allele origin: germline.
Comment: This sequence change results in a frameshift in the TUBGCP6 gene (p.Phe1812Leufs*19). While this is not anticipated to result in nonsense mediated decay, it is expected to disrupt the last 8 amino acid(s) of the TUBGCP6 protein and extend the protein by 10 additional amino acid residues. This variant is not present in population databases (gnomAD no frequency). This variant has not been reported in the literature in individuals affected with TUBGCP6-related conditions. ClinVar contains an entry for this variant (Variation ID: 1050928). Experimental studies and prediction algorithms are not available or were not evaluated, and the functional significance of this variant is currently unknown. In summary, the available evidence is currently insufficient to determine the role of this variant in disease. Therefore, it has been classified as a Variant of Uncertain Significance.